The following is an entry in ClinVar:

ClinVar aggregate classification (germline): Uncertain significance (1 of 4 stars; one submission).

Submission:

Labcorp Genetics (formerly Invitae), Labcorp
Classification: Uncertain significance. Last evaluated: 2021-08-16. Review status: criteria provided, single submitter. Criteria: Invitae Variant Classification Sherloc (09022015). Collection method: clinical testing. Allele origin: germline.
Comment: This variant has not been reported in the literature in individuals affected with TOP2B-related conditions. This variant is not present in population databases (ExAC no frequency). This sequence change replaces leucine with tryptophan at codon 319 of the TOP2B protein (p.Leu319Trp). The leucine residue is moderately conserved and there is a small physicochemical difference between leucine and tryptophan. Algorithms developed to predict the effect of missense changes on protein structure and function are either unavailable or do not agree on the potential impact of this missense change (SIFT: "Deleterious"; PolyPhen-2: "Possibly Damaging"; Align-GVGD: "Class C0"). In summary, the available evidence is currently insufficient to determine the role of this variant in disease. Therefore, it has been classified as a Variant of Uncertain Significance.

NM_001330700.2(TOP2B):c.971T>G (p.Leu324Trp)

Gene: TOP2B (DNA topoisomerase II beta; minus strand). Cytogenetic location: 3p24.2.
Variant type: single nucleotide variant.
Coding change: c.971T>G on transcript NM_001330700.2 (MANE Select); coding-DNA position 971, T replaced by G.
Protein change: p.Leu324Trp; replaces leucine 324 with tryptophan.
Molecular consequence: missense variant.
Genome position (GRCh38, 1-based): chr3:25,633,896, A>C on the plus strand (T>G on the coding strand, the complement: TOP2B is on the minus strand). VCF-style: chr3-25633896-A-C. GRCh37 (hg19) VCF-style: chr3-25675387-A-C.
Other names: c.956T>G, p.Leu319Trp (NM_001068.3); short protein forms L324W, L319W.
Identifiers: ClinVar variation 1509494 (VCV001509494.6), dbSNP rs2125382495, ClinGen allele CA351911579.